The following is an entry in ClinVar:

ClinVar aggregate classification (germline): Pathogenic (1 of 4 stars; one submission).

Submission:

Labcorp Genetics (formerly Invitae), Labcorp
Classification: Pathogenic. Last evaluated: 2024-05-17. Review status: criteria provided, single submitter. Criteria: Invitae Variant Classification Sherloc (09022015). Collection method: clinical testing. Allele origin: germline.
Comment: This sequence change creates a premature translational stop signal (p.Arg642Alafs*54) in the ALOX12B gene. While this is not anticipated to result in nonsense mediated decay, it is expected to disrupt the last 60 amino acid(s) of the ALOX12B protein. This variant is not present in population databases (gnomAD no frequency). This variant has not been reported in the literature in individuals affected with ALOX12B-related conditions. This variant disrupts a region of the ALOX12B protein in which other variant(s) (p.Gln671Argfs*24) have been determined to be pathogenic (PMID: 23621129; Invitae). This suggests that this is a clinically significant region of the protein, and that variants that disrupt it are likely to be disease-causing. For these reasons, this variant has been classified as Pathogenic.

Literature cited by the submitters: PubMed 23621129.

NM_001139.3(ALOX12B):c.1924_1925del (p.Arg642fs)

Gene: ALOX12B (arachidonate 12-lipoxygenase, 12R type; minus strand). Cytogenetic location: 17p13.1.
Variant type: Deletion.
Coding change: c.1924_1925del on transcript NM_001139.3 (MANE Select); coding-DNA positions 1924 to 1925, 2 bases deleted (AG; older notation c.1924_1925delAG).
Protein change: p.Arg642fs; shifts the reading frame from arginine 642.
Molecular consequence: frameshift variant.
Genome position (GRCh38, 1-based): chr17:8,073,149-8,073,150, CT deleted on the plus strand (AG on the coding strand, the reverse complement: ALOX12B is on the minus strand). VCF-style (leftmost placement, unchanged base first): chr17-8073148-CCT-C. GRCh37 (hg19) VCF-style: chr17-7976466-CCT-C.
Other names: short protein forms R642fs.
Identifiers: ClinVar variation 3626525 (VCV003626525.2).